The following is an entry in ClinVar:

ClinVar aggregate classification (germline): Uncertain significance. Review status: criteria provided, multiple submitters, no conflicts (2 of 4 stars). 5 submissions from 5 submitters: Uncertain significance (5). Last evaluated 2026-02-11.

Conditions:
MYH6-related disorder. Also called: MYH6-Related Disorders; MYH6-related condition.
Sick sinus syndrome 3, susceptibility to (SSS3). Identifiers: Orphanet 166282, MedGen C3279791, MONDO:0013568, OMIM 614090.
Dilated cardiomyopathy 1EE (CMD1EE). Identifiers: Orphanet 154, MedGen C2750466, MONDO:0013198, OMIM 613252.
Hypertrophic cardiomyopathy 14. Identifiers: MedGen C2750467, MONDO:0013197, OMIM 613251.
Hypertrophic cardiomyopathy 1 (CMH1). Also called: Familial hypertrophic cardiomyopathy 1; MYH7-Related Familial Hypertrophic Cardiomyopathy. Identifiers: MedGen C3495498, MONDO:0008647, OMIM 192600.
Atrial septal defect 3 (ASD3). Identifiers: Orphanet 1478, MedGen C3279790, MONDO:0013567, OMIM 614089.
Cardiovascular phenotype. Identifiers: MedGen CN230736.
Primary dilated cardiomyopathy (DCM). Also called: Dilated Cardiomyopathy. Identifiers: Orphanet 217604, MedGen C0007193, MeSH D002311, MONDO:0005021, HP:0001644. Inheritance: Various modes of inheritance.

Allele frequency attached by ClinVar (database versions not stated): gnomAD exomes 0.00001; TOPMed 0.00002.
gnomAD v4.1: 12 of 1,614,100 alleles (0.00074%); highest among the groups gnomAD compares: South Asian, 0.0033%; no homozygotes.

Submissions (5):

PreventionGenetics, part of Exact Sciences
Classification: Uncertain significance for MYH6-related condition. Last evaluated: 2026-02-11. Review status: criteria provided, single submitter. Criteria: ACMG Guidelines, 2015. Collection method: clinical testing. Allele origin: germline.
Comment: The MYH6 c.4471G>A variant is predicted to result in the amino acid substitution p.Glu1491Lys. To our knowledge, this variant has not been reported in the literature. This variant is reported in 0.0065% of alleles in individuals of South Asian descent in gnomAD. At this time, the clinical significance of this variant is uncertain due to the absence of conclusive functional and genetic evidence.

Labcorp Genetics (formerly Invitae), Labcorp
Classification: Uncertain significance for Hypertrophic cardiomyopathy 14. Last evaluated: 2025-04-19. Review status: criteria provided, single submitter. Criteria: Invitae Variant Classification Sherloc (09022015). Collection method: clinical testing. Allele origin: germline.
Comment: This sequence change replaces glutamic acid, which is acidic and polar, with lysine, which is basic and polar, at codon 1491 of the MYH6 protein (p.Glu1491Lys). This variant is present in population databases (no rsID available, gnomAD 0.006%). This variant has not been reported in the literature in individuals affected with MYH6-related conditions. ClinVar contains an entry for this variant (Variation ID: 978731). Invitae Evidence Modeling of protein sequence and biophysical properties (such as structural, functional, and spatial information, amino acid conservation, physicochemical variation, residue mobility, and thermodynamic stability) indicates that this missense variant is not expected to disrupt MYH6 protein function with a negative predictive value of 80%. In summary, the available evidence is currently insufficient to determine the role of this variant in disease. Therefore, it has been classified as a Variant of Uncertain Significance.

Ambry Genetics
Classification: Uncertain significance for Cardiovascular phenotype. Last evaluated: 2023-09-22. Review status: criteria provided, single submitter. Criteria: Ambry Variant Classification Scheme 2023. Collection method: clinical testing. Allele origin: germline.

Fulgent Genetics
Classification: Uncertain significance for Hypertrophic cardiomyopathy 1; Hypertrophic cardiomyopathy 14; Dilated cardiomyopathy 1EE; Atrial septal defect 3; Sick sinus syndrome 3, susceptibility to. Last evaluated: 2021-11-30. Review status: criteria provided, single submitter. Criteria: ACMG Guidelines, 2015. Collection method: clinical testing. Allele origin: unknown.

Genetics and Genomics Program, Sidra Medicine
Classification: Uncertain significance for Primary dilated cardiomyopathy. Review status: criteria provided, single submitter. Criteria: ACMG Guidelines, 2015. Collection method: research. Allele origin: unknown. Affected: yes. Observed: 1 variant allele.

NM_002471.4(MYH6):c.4471G>A (p.Glu1491Lys)

Gene: MYH6 (myosin heavy chain 6; minus strand). Cytogenetic location: 14q11.2.
Variant type: single nucleotide variant.
Coding change: c.4471G>A on transcript NM_002471.4 (MANE Select); coding-DNA position 4471, G replaced by A.
Protein change: p.Glu1491Lys; replaces glutamic acid 1491 with lysine.
Molecular consequence: missense variant.
Genome position (GRCh38, 1-based): chr14:23,387,812, C>T on the plus strand (G>A on the coding strand, the complement: MYH6 is on the minus strand). VCF-style: chr14-23387812-C-T. GRCh37 (hg19) VCF-style: chr14-23857021-C-T.
Other names: short protein forms E1491K.
Identifiers: ClinVar variation 978731 (VCV000978731.14), dbSNP rs1314169075, ClinGen allele CA388997302.